The following is an entry in ClinVar:

NM_022489.4(INF2):c.1208A>G (p.Glu403Gly)

Gene: INF2 (inverted formin 2; plus strand). Cytogenetic location: 14q32.33.
Variant type: single nucleotide variant.
Coding change: c.1208A>G on transcript NM_022489.4 (MANE Select); coding-DNA position 1208, A replaced by G.
Protein change: p.Glu403Gly; replaces glutamic acid 403 with glycine.
Molecular consequence: missense variant.
Genome position (GRCh38, 1-based): chr14:104,707,475, A>G. VCF-style: chr14-104707475-A-G. GRCh37 (hg19) VCF-style: chr14-105173812-A-G.
Other names: c.1208A>G, p.Glu403Gly (NM_001031714.4); short protein forms E403G.
Identifiers: ClinVar variation 863173 (VCV000863173.19), dbSNP rs1356183663, ClinGen allele CA391216143.

ClinVar aggregate classification (germline): Conflicting classifications of pathogenicity. Review status: criteria provided, conflicting classifications (1 of 4 stars). 5 submissions from 5 submitters: Uncertain significance (4); Likely benign (1). Last evaluated 2026-07-13.

Conditions:
INF2-related disorder. Also called: INF2-related condition.
Inborn genetic diseases. Identifiers: MedGen C0950123, MeSH D030342.
Charcot-Marie-Tooth disease dominant intermediate E. Also called: CHARCOT-MARIE-TOOTH NEUROPATHY WITH FOCAL SEGMENTAL GLOMERULONEPHRITIS. Identifiers: Orphanet 93114, MedGen C4302667, MONDO:0013758, OMIM 614455.
Focal segmental glomerulosclerosis 5 (FSGS5). Identifiers: Orphanet 656, MedGen C2750475, MONDO:0013191, OMIM 613237.

Allele frequency attached by ClinVar (database versions not stated): gnomAD 0.00001 and 0.00002; gnomAD exomes 0.00001 and 0.00005; TOPMed 0.00001.
gnomAD v4.1: 76 of 1,551,962 alleles (0.0049%); highest among the groups gnomAD compares: Non-Finnish European, 0.0062%; no homozygotes.

Submissions (5):

PreventionGenetics, part of Exact Sciences
Classification: Uncertain significance for INF2-related condition. Last evaluated: 2026-07-13. Review status: criteria provided, single submitter. Criteria: ACMG Guidelines, 2015. Collection method: clinical testing. Allele origin: germline.
Comment: The INF2 c.1208A>G variant is predicted to result in the amino acid substitution p.Glu403Gly. To our knowledge, this variant has not been reported in the literature. This variant is reported in 0.0033% of alleles in individuals of European (non-Finnish) descent in gnomAD. At this time, the clinical significance of this variant is uncertain due to the absence of conclusive functional and genetic evidence.

Labcorp Genetics (formerly Invitae), Labcorp
Classification: Likely benign for Charcot-Marie-Tooth disease dominant intermediate E; Focal segmental glomerulosclerosis 5. Last evaluated: 2025-09-14. Review status: criteria provided, single submitter. Criteria: Invitae Variant Classification Sherloc (09022015). Collection method: clinical testing. Allele origin: germline.

Fulgent Genetics
Classification: Uncertain significance for Focal segmental glomerulosclerosis 5; Charcot-Marie-Tooth disease dominant intermediate E. Last evaluated: 2024-02-16. Review status: criteria provided, single submitter. Criteria: ACMG Guidelines, 2015. Collection method: clinical testing. Allele origin: germline.

Ambry Genetics
Classification: Uncertain significance for Inborn genetic diseases. Last evaluated: 2019-11-11. Review status: criteria provided, single submitter. Criteria: Ambry Variant Classification Scheme 2023. Collection method: clinical testing. Allele origin: germline.
Comment: The p.E403G variant (also known as c.1208A>G), located in coding exon 7 of the INF2 gene, results from an A to G substitution at nucleotide position 1208. The glutamic acid at codon 403 is replaced by glycine, an amino acid with similar properties. This amino acid position is poorly conserved in available vertebrate species. In addition, this alteration is predicted to be tolerated by in silico analysis. Since supporting evidence is limited at this time, the clinical significance of this alteration remains unclear.

Mayo Clinic Laboratories, Mayo Clinic
Classification: Uncertain significance. Last evaluated: 2019-05-12. Review status: criteria provided, single submitter. Criteria: ACMG Guidelines, 2015. Collection method: clinical testing. Allele origin: germline. Observed: 1 variant allele.